The following is an entry in ClinVar:

ClinVar aggregate classification (germline): Uncertain significance (1 of 4 stars; one submission).

Conditions:
Oto-palato-digital syndrome, type II (OPD2). Also called: Otopalatodigital Syndrome Type 2 (FLNA-OPD2); FACIOPALATOOSSEOUS SYNDROME; OPD II SYNDROME; Otopalatodigital Syndrome, Type II. Identifiers: Orphanet 669, Orphanet 90652, MedGen C1844696, MONDO:0010571, OMIM 304120.
Heterotopia, periventricular, X-linked dominant (PVNH1). Also called: PERIVENTRICULAR NODULAR HETEROTOPIA 1; X-linked periventricular heterotopia; PERIVENTRICULAR NODULAR HETEROTOPIA 4; HETEROTOPIA, PERIVENTRICULAR, 1. Identifiers: Orphanet 2149, Orphanet 82004, MedGen C1848213, MONDO:0010233, OMIM 300049.
Melnick-Needles syndrome (MNS). Also called: Melnick-Needles Syndrome (FLNA-MNS); MELNICK-NEEDLES OSTEODYSPLASTY; OSTEODYSPLASTY OF MELNICK AND NEEDLES. Identifiers: Orphanet 2484, MedGen C0025237, MONDO:0010650, OMIM 309350.
Frontometaphyseal dysplasia (FMD1). Identifiers: Orphanet 1826, MedGen C0265293, MONDO:0015942.

Submission:

Labcorp Genetics (formerly Invitae), Labcorp
Classification: Uncertain significance for Oto-palato-digital syndrome, type II; Heterotopia, periventricular, X-linked dominant; Frontometaphyseal dysplasia; Melnick-Needles syndrome. Last evaluated: 2024-07-22. Review status: criteria provided, single submitter. Criteria: Invitae Variant Classification Sherloc (09022015). Collection method: clinical testing. Allele origin: germline.
Comment: This sequence change replaces glycine, which is neutral and non-polar, with glutamic acid, which is acidic and polar, at codon 410 of the FLNA protein (p.Gly410Glu). This variant is not present in population databases (gnomAD no frequency). This variant has not been reported in the literature in individuals affected with FLNA-related conditions. An algorithm developed to predict the effect of missense changes on protein structure and function (PolyPhen-2) suggests that this variant is likely to be disruptive. Algorithms developed to predict the effect of sequence changes on RNA splicing suggest that this variant may disrupt the consensus splice site. In summary, the available evidence is currently insufficient to determine the role of this variant in disease. Therefore, it has been classified as a Variant of Uncertain Significance.

NM_001110556.2(FLNA):c.1229G>A (p.Gly410Glu)

Gene: FLNA (filamin A; minus strand). Cytogenetic location: Xq28.
Variant type: single nucleotide variant.
Coding change: c.1229G>A on transcript NM_001110556.2 (MANE Select); coding-DNA position 1229, G replaced by A.
Protein change: p.Gly410Glu; replaces glycine 410 with glutamic acid.
Molecular consequence: missense variant.
Genome position (GRCh38, 1-based): chrX:154,366,224, C>T on the plus strand (G>A on the coding strand, the complement: FLNA is on the minus strand). VCF-style: chrX-154366224-C-T. GRCh37 (hg19) VCF-style: chrX-153594592-C-T.
Other names: c.1229G>A, p.Gly410Glu (NM_001456.4); short protein forms G410E.
Identifiers: ClinVar variation 2925794 (VCV002925794.3), dbSNP rs2522760427, ClinGen allele CA415244022.
Genomic context (GRCh38, chrX:154,366,224, plus strand): 5'-ACCGTGCCCTTCTGTCCCATGGGGTCCTGGATCACAACCTCGACCTCGCCCGTGCCAGCT[C>T]CTGCCACGAGGCACCTGCTCAGCTCCCAGGCCCCAGTGCGGCTCTCCCCACAGACCAGCT-3'
Protein context (NP_001104026.1, residues 400-420): KTTYFEIFTA[Gly410Glu]AGTGEVEVVI